The following is an entry in ClinVar:

ClinVar aggregate classification (germline): Likely benign. Review status: criteria provided, single submitter (1 of 4 stars). 2 submissions from 2 submitters: Likely benign (1). 1 of the submissions does not count toward it. Last evaluated 2024-09-24.

Conditions:
POLD1-related polyposis and colorectal cancer syndrome (CRCS10). Also called: COLORECTAL CANCER, SUSCEPTIBILITY TO, ON CHROMOSOME 19q; Colorectal cancer 10; Colorectal cancer, susceptibility to, 10. Identifiers: Orphanet 220460, MedGen C2675481, MONDO:0012953, OMIM 612591.
POLD1-related disorder. Also called: POLD1-related disorders; POLD1-related condition.

gnomAD v4.1: 1 of 1,612,782 alleles (0.000062%); highest among the groups gnomAD compares: Non-Finnish European, 0.000085%; no homozygotes.

Submissions (2):

Labcorp Genetics (formerly Invitae), Labcorp
Classification: Likely benign for POLD1-related polyposis and colorectal cancer syndrome. Last evaluated: 2024-09-24. Review status: criteria provided, single submitter. Criteria: Invitae Variant Classification Sherloc (09022015). Collection method: clinical testing. Allele origin: germline.

PreventionGenetics, part of Exact Sciences
Classification: Likely benign for POLD1-related condition. Last evaluated: 2023-06-01. Review status: no assertion criteria provided. Collection method: clinical testing. Allele origin: germline. Not counted in ClinVar's aggregate classification.
Comment: This variant is classified as likely benign based on ACMG/AMP sequence variant interpretation guidelines (Richards et al. 2015 PMID: 25741868, with internal and published modifications).

NM_002691.4(POLD1):c.759-7C>T

Gene: POLD1 (DNA polymerase delta 1, catalytic subunit; plus strand). Cytogenetic location: 19q13.33.
Variant type: single nucleotide variant.
Coding change: c.759-7C>T on transcript NM_002691.4 (MANE Select); 7 bases into the intron before coding-DNA position 759, C replaced by T.
Molecular consequence: intron variant.
Genome position (GRCh38, 1-based): chr19:50,402,447, C>T. VCF-style: chr19-50402447-C-T. GRCh37 (hg19) VCF-style: chr19-50905704-C-T.
Other names: c.759-7C>T (NM_001256849.1, NM_001308632.1, NM_002691.3).
Identifiers: ClinVar variation 2418076 (VCV002418076.8), dbSNP rs2038686712, ClinGen allele CA2580097672.
Genomic context (GRCh38, chr19:50,402,447, plus strand): 5'-CTCACTTCTCCGGCCTCTATCCCCACCCTCGGGCAGCCCCTGTCCACTGACCCCCAGCCC[C>T]CTCCAGGTTCATGGTGGACACGGACATCGTCGGCTGCAACTGGCTGGAGCTCCCAGCTGG-3'